The following is an entry in ClinVar:

ClinVar aggregate classification (germline): Uncertain significance (1 of 4 stars; one submission).

gnomAD v4.1: 1 of 1,614,196 alleles (0.000062%); highest among the groups gnomAD compares: Non-Finnish European, 0.000085%; no homozygotes.

Submission:

GeneDx
Classification: Uncertain significance. Last evaluated: 2024-03-22. Review status: criteria provided, single submitter. Criteria: GeneDx Variant Classification Process June 2021. Collection method: clinical testing. Allele origin: germline. Affected: yes.
Comment: Not observed at significant frequency in large population cohorts (gnomAD); Missense variants in this gene are a common cause of disease and they are underrepresented in the general population; In silico analysis supports that this missense variant has a deleterious effect on protein structure/function; Has not been previously published as pathogenic or benign to our knowledge

NM_003289.4(TPM2):c.257C>T (p.Ala86Val)

Gene: TPM2 (tropomyosin 2; minus strand). Cytogenetic location: 9p13.3.
Variant type: single nucleotide variant.
Coding change: c.257C>T on transcript NM_003289.4 (MANE Select); coding-DNA position 257, C replaced by T.
Protein change: p.Ala86Val; replaces alanine 86 with valine.
Molecular consequence: missense variant.
Genome position (GRCh38, 1-based): chr9:35,685,764, G>A on the plus strand (C>T on the coding strand, the complement: TPM2 is on the minus strand). VCF-style: chr9-35685764-G-A. GRCh37 (hg19) VCF-style: chr9-35685761-G-A.
Other names: c.257C>T, p.Ala86Val (NM_001301226.2, NM_001301227.2, NM_213674.1); short protein forms A86V.
Identifiers: ClinVar variation 3371250 (VCV003371250.1).